The following is an entry in ClinVar:

NM_002439.5(MSH3):c.761A>T (p.Tyr254Phe)

Gene: MSH3 (mutS homolog 3; plus strand). Cytogenetic location: 5q14.1.
Variant type: single nucleotide variant.
Coding change: c.761A>T on transcript NM_002439.5 (MANE Select); coding-DNA position 761, A replaced by T.
Protein change: p.Tyr254Phe; replaces tyrosine 254 with phenylalanine.
Molecular consequence: missense variant.
Genome position (GRCh38, 1-based): chr5:80,670,278, A>T. VCF-style: chr5-80670278-A-T. GRCh37 (hg19) VCF-style: chr5-79966097-A-T.
Other names: c.761A>T (NM_002439.3); short protein forms Y254F.
Identifiers: ClinVar variation 662046 (VCV000662046.9), dbSNP rs1580550385, ClinGen allele CA360266963.

ClinVar aggregate classification (germline): Uncertain significance. Review status: criteria provided, multiple submitters, no conflicts (2 of 4 stars). 2 submissions from 2 submitters: Uncertain significance (2). Last evaluated 2025-02-09.

Conditions:
Hereditary cancer-predisposing syndrome. Also called: Neoplastic Syndromes, Hereditary; Tumor predisposition; Hereditary neoplastic syndrome; Hereditary Cancer Syndrome. Identifiers: Orphanet 140162, MedGen C0027672, MeSH D009386, MONDO:0015356.

gnomAD v4.1: 1 of 1,614,166 alleles (0.000062%); highest among the groups gnomAD compares: Non-Finnish European, 0.000085%; no homozygotes.

Submissions (2):

Labcorp Genetics (formerly Invitae), Labcorp
Classification: Uncertain significance. Last evaluated: 2025-02-09. Review status: criteria provided, single submitter. Criteria: Invitae Variant Classification Sherloc (09022015). Collection method: clinical testing. Allele origin: germline.
Comment: This sequence change replaces tyrosine, which is neutral and polar, with phenylalanine, which is neutral and non-polar, at codon 254 of the MSH3 protein (p.Tyr254Phe). This variant is not present in population databases (gnomAD no frequency). This variant has not been reported in the literature in individuals affected with MSH3-related conditions. ClinVar contains an entry for this variant (Variation ID: 662046). An algorithm developed to predict the effect of missense changes on protein structure and function (PolyPhen-2) suggests that this variant is likely to be disruptive. In summary, the available evidence is currently insufficient to determine the role of this variant in disease. Therefore, it has been classified as a Variant of Uncertain Significance.

Ambry Genetics
Classification: Uncertain significance for Hereditary cancer-predisposing syndrome. Last evaluated: 2025-02-03. Review status: criteria provided, single submitter. Criteria: Ambry Variant Classification Scheme 2023. Collection method: clinical testing. Allele origin: germline.
Comment: The p.Y254F variant (also known as c.761A>T), located in coding exon 4 of the MSH3 gene, results from an A to T substitution at nucleotide position 761. The tyrosine at codon 254 is replaced by phenylalanine, an amino acid with highly similar properties. This amino acid position is conserved. In addition, the in silico prediction for this alteration is inconclusive. Based on the available evidence, the clinical significance of this variant remains unclear.